The following is an entry in ClinVar:

ClinVar aggregate classification (germline): Uncertain significance (1 of 4 stars; one submission).

Conditions:
Familial thoracic aortic aneurysm and aortic dissection (TAAD). Also called: Thoracic aortic aneurysms and dissections. Identifiers: Orphanet 91387, MedGen C4707243, MONDO:0019625.
Hereditary cancer-predisposing syndrome. Also called: Neoplastic Syndromes, Hereditary; Tumor predisposition; Hereditary Cancer Syndrome; Hereditary neoplastic syndrome. Identifiers: Orphanet 140162, MedGen C0027672, MeSH D009386, MONDO:0015356.

Submission:

Ambry Genetics
Classification: Uncertain significance for Hereditary cancer-predisposing syndrome; Familial thoracic aortic aneurysm and aortic dissection. Last evaluated: 2020-02-28. Review status: criteria provided, single submitter. Criteria: Ambry Variant Classification Scheme 2023. Collection method: clinical testing. Allele origin: germline.
Comment: The p.P225H variant (also known as c.674C>A), located in coding exon 5 of the SMAD4 gene, results from a C to A substitution at nucleotide position 674. The proline at codon 225 is replaced by histidine, an amino acid with similar properties. This amino acid position is highly conserved in available vertebrate species. In addition, the in silico prediction for this alteration is inconclusive. Since supporting evidence is limited at this time, the clinical significance of this alteration remains unclear.

NM_005359.6(SMAD4):c.674C>A (p.Pro225His)

Gene: SMAD4 (SMAD family member 4; plus strand). Cytogenetic location: 18q21.2.
Variant type: single nucleotide variant.
Coding change: c.674C>A on transcript NM_005359.6 (MANE Select); coding-DNA position 674, C replaced by A.
Protein change: p.Pro225His; replaces proline 225 with histidine.
Molecular consequence: missense variant.
Genome position (GRCh38, 1-based): chr18:51,058,131, C>A. VCF-style: chr18-51058131-C-A. GRCh37 (hg19) VCF-style: chr18-48584501-C-A.
Other names: c.674C>A, p.Pro225His (NM_001407041.1, NM_001407042.1, NM_001407043.1); short protein forms P225H.
Identifiers: ClinVar variation 1755223 (VCV001755223.2), dbSNP rs2511376652, ClinGen allele CA402462608.